The following is an entry in ClinVar:

ClinVar aggregate classification (germline): Uncertain significance. Review status: criteria provided, multiple submitters, no conflicts (2 of 4 stars). 2 submissions from 2 submitters: Uncertain significance (2). Last evaluated 2023-10-20.

Allele frequency attached by ClinVar (database versions not stated): gnomAD exomes below 0.00001.
gnomAD v4.1: 5 of 1,614,120 alleles (0.00031%); highest among the groups gnomAD compares: Non-Finnish European, 0.00034%; no homozygotes.

Submissions (2):

Labcorp Genetics (formerly Invitae), Labcorp
Classification: Uncertain significance. Last evaluated: 2023-10-20. Review status: criteria provided, single submitter. Criteria: Invitae Variant Classification Sherloc (09022015). Collection method: clinical testing. Allele origin: germline.
Comment: This sequence change replaces alanine, which is neutral and non-polar, with threonine, which is neutral and polar, at codon 2153 of the FBN3 protein (p.Ala2153Thr). This variant is not present in population databases (gnomAD no frequency). This variant has not been reported in the literature in individuals affected with FBN3-related conditions. ClinVar contains an entry for this variant (Variation ID: 2271583). Advanced modeling of protein sequence and biophysical properties (such as structural, functional, and spatial information, amino acid conservation, physicochemical variation, residue mobility, and thermodynamic stability) performed at Invitae indicates that this missense variant is not expected to disrupt FBN3 protein function. In summary, the available evidence is currently insufficient to determine the role of this variant in disease. Therefore, it has been classified as a Variant of Uncertain Significance.

Ambry Genetics
Classification: Uncertain significance. Last evaluated: 2022-01-10. Review status: criteria provided, single submitter. Criteria: Ambry Variant Classification Scheme 2023. Collection method: clinical testing. Allele origin: germline.

NM_032447.5(FBN3):c.6457G>A (p.Ala2153Thr)

Gene: FBN3 (fibrillin 3; minus strand). Cytogenetic location: 19p13.2.
Variant type: single nucleotide variant.
Coding change: c.6457G>A on transcript NM_032447.5 (MANE Select); coding-DNA position 6457, G replaced by A.
Protein change: p.Ala2153Thr; replaces alanine 2153 with threonine.
Molecular consequence: missense variant.
Genome position (GRCh38, 1-based): chr19:8,088,099, C>T on the plus strand (G>A on the coding strand, the complement: FBN3 is on the minus strand). VCF-style: chr19-8088099-C-T. GRCh37 (hg19) VCF-style: chr19-8152983-C-T.
Other names: c.6457G>A, p.Ala2153Thr (NM_001321431.2); short protein forms A2153T.
Identifiers: ClinVar variation 2271583 (VCV002271583.5), dbSNP rs2512637678, ClinGen allele CA403715328.
Genomic context (GRCh38, chr19:8,088,099, plus strand): 5'-CCTGGGCAAGCAGAGTTGTACCCTCGCAGGTCATCATGAGGCCAGGCTCAAAGCCGTCAG[C>T]ACAGGCACATTCGAAGCCTCCGATGACATTGGTGCATGTCCCTTGCCCACAGGGGTGGCC-3'
Protein context (NP_115823.3, residues 2143-2163): NVIGGFECAC[Ala2153Thr]DGFEPGLMMT